The following is an entry in ClinVar:

ClinVar aggregate classification (germline): Uncertain significance (1 of 4 stars; one submission).

Conditions:
Hereditary cancer-predisposing syndrome. Also called: Neoplastic Syndromes, Hereditary; Tumor predisposition; Hereditary Cancer Syndrome; Hereditary neoplastic syndrome. Identifiers: Orphanet 140162, MedGen C0027672, MeSH D009386, MONDO:0015356.

Submission:

Ambry Genetics
Classification: Uncertain significance for Hereditary cancer-predisposing syndrome. Last evaluated: 2026-06-09. Review status: criteria provided, single submitter. Criteria: Ambry Variant Classification Scheme 2023. Collection method: clinical testing. Allele origin: germline.
Comment: The p.V217L variant (also known as c.649G>C), located in coding exon 4 of the NTHL1 gene, results from a G to C substitution at nucleotide position 649. The valine at codon 217 is replaced by leucine, an amino acid with highly similar properties. This amino acid position is conserved. In addition, the in silico prediction for this alteration is inconclusive. Based on the available evidence, the clinical significance of this variant remains unclear.

NM_002528.7(NTHL1):c.625G>C (p.Val209Leu)

Gene: NTHL1 (nth like DNA glycosylase 1; minus strand). Cytogenetic location: 16p13.3.
Variant type: single nucleotide variant.
Coding change: c.625G>C on transcript NM_002528.7 (MANE Select); coding-DNA position 625, G replaced by C.
Protein change: p.Val209Leu; replaces valine 209 with leucine.
Molecular consequence: missense variant.
Genome position (GRCh38, 1-based): chr16:2,043,627, C>G on the plus strand (G>C on the coding strand, the complement: NTHL1 is on the minus strand). VCF-style: chr16-2043627-C-G. GRCh37 (hg19) VCF-style: chr16-2093628-C-G.
Other names: c.454G>C, p.Val152Leu (NM_001318193.2); c.295G>C, p.Val99Leu (NM_001318194.2); short protein forms V152L, V209L, V99L.
Identifiers: ClinVar variation 4861240 (VCV004861240.1).